The following is an entry in ClinVar:

NM_001103.4(ACTN2):c.690T>A (p.Asp230Glu)

Gene: ACTN2 (actinin alpha 2; plus strand). Cytogenetic location: 1q43.
Variant type: single nucleotide variant.
Coding change: c.690T>A on transcript NM_001103.4 (MANE Select); coding-DNA position 690, T replaced by A.
Protein change: p.Asp230Glu; replaces aspartic acid 230 with glutamic acid.
Molecular consequence: missense variant. On other transcripts: 5 prime UTR variant (1).
Genome position (GRCh38, 1-based): chr1:236,731,307, T>A. VCF-style: chr1-236731307-T-A. GRCh37 (hg19) VCF-style: chr1-236894607-T-A.
Other names: c.690T>A, p.Asp230Glu (NM_001278343.2); c.-132T>A (NM_001278344.2); short protein forms D230E.
Identifiers: ClinVar variation 43942 (VCV000043942.31), dbSNP rs139489232, ClinGen allele CA133208.
Genomic context (GRCh38, chr1:236,731,307, plus strand): 5'-AAATATTAACCTGGCCATGGAAATCGCTGAGAAGCACCTGGATATTCCTAAAATGTTGGA[T>A]GCTGAAGGTGAGATGAAAATTGTGTTTGCTGAGTTACAGGAAATTTGAAGACTACAAATG-3'
Protein context (NP_001094.1, residues 220-240): EKHLDIPKML[Asp230Glu]AEDIVNTPKP

ClinVar aggregate classification (germline): Conflicting classifications of pathogenicity. Review status: criteria provided, conflicting classifications (1 of 4 stars). 13 submissions from 13 submitters: Uncertain significance (8); Likely benign (3). 2 of the submissions do not count toward it. Last evaluated 2026-03-01.

Conditions:
Dilated cardiomyopathy 1AA (CMD1AA). Also called: CARDIOMYOPATHY, DILATED, 1AA, WITH OR WITHOUT LEFT VENTRICULAR NONCOMPACTION; CARDIOMYOPATHY, FAMILIAL HYPERTROPHIC, 23, WITH OR WITHOUT LEFT VENTRICULAR NONCOMPACTION; Cardiomyopathy, dilated, 1AA, with or without LVNC. Identifiers: Orphanet 154, MedGen C2677338, MONDO:0012808, OMIM 612158.
Myopathy, congenital, with structured cores and z-line abnormalities. Also called: MULTIPLE STRUCTURED CORE DISEASE; CONGENITAL MYOPATHY 8. Identifiers: MedGen C5231445, MONDO:0032852, OMIM 618654.
Myopathy, distal, 6, adult-onset, autosomal dominant. Identifiers: MedGen C5203349, MONDO:0032853, OMIM 618655.
Cardiovascular phenotype. Identifiers: MedGen CN230736.
Cardiomyopathy (CMYO). Also called: Cardiomyopathies. Identifiers: Orphanet 167848, MedGen C0878544, MONDO:0004994, HP:0001638. Inheritance: Various modes of inheritance.
Primary familial hypertrophic cardiomyopathy (HCM). Identifiers: Orphanet 99739, MedGen C0949658, MeSH D024741, MONDO:0024573. Inheritance: Various modes of inheritance.

Allele frequency attached by ClinVar (database versions not stated): TOPMed 0.00009; gnomAD 0.00010; ESP Exome Variant Server 0.00015; 1000 Genomes Project 0.00020; 1000 Genomes Project 30x 0.00031.
gnomAD v4.1: 304 of 1,613,110 alleles (0.019%); highest among the groups gnomAD compares: Non-Finnish European, 0.024%; no homozygotes.

Submissions (13):

CeGaT Center for Human Genetics Tuebingen
Classification: Uncertain significance. Last evaluated: 2026-03-01. Review status: criteria provided, single submitter. Criteria: CeGaT Center For Human Genetics Tuebingen Variant Classification Criteria Version 2. Collection method: clinical testing. Allele origin: germline. Affected: yes. Observed: 1 variant allele.
Comment: ACTN2: PP3

Labcorp Genetics (formerly Invitae), Labcorp
Classification: Likely benign for Primary familial hypertrophic cardiomyopathy; Dilated cardiomyopathy 1AA. Last evaluated: 2025-12-31. Review status: criteria provided, single submitter. Criteria: Invitae Variant Classification Sherloc (09022015). Collection method: clinical testing. Allele origin: germline.

Molecular Diagnostic Laboratory for Inherited Cardiovascular Disease, Montreal Heart Institute
Classification: Likely benign. Last evaluated: 2025-04-09. Review status: criteria provided, single submitter. Criteria: ACMG Guidelines, 2015. Collection method: clinical testing. Allele origin: germline. Affected: no.
Comment: BS1; BS2;PP3

GeneDx
Classification: Uncertain significance. Last evaluated: 2023-08-16. Review status: criteria provided, single submitter. Criteria: GeneDx Variant Classification Process June 2021. Collection method: clinical testing. Allele origin: germline. Affected: yes.
Comment: Has been reported in individuals with HCM and DCM (PMID: 27532257, 31983221); In silico analysis supports that this missense variant has a deleterious effect on protein structure/function; This variant is associated with the following publications: (PMID: 27532257, 31983221, 35026164)

Women's Health and Genetics/Laboratory Corporation of America, LabCorp
Classification: Likely benign. Last evaluated: 2023-03-21. Review status: criteria provided, single submitter. Criteria: LabCorp Variant Classification Summary - May 2015. Collection method: clinical testing. Allele origin: germline.
Comment: Variant summary: ACTN2 c.690T>A (p.Asp230Glu) results in a conservative amino acid change located in the Calponin homology domain (IPR001715) of the encoded protein sequence. Three of five in-silico tools predict a damaging effect of the variant on protein function. The variant allele was found at a frequency of 0.00012 in 251362 control chromosomes. The observed variant frequency is approximately 4.61 fold of the estimated maximal expected allele frequency for a pathogenic variant in ACTN2 causing Cardiomyopathy phenotype (2.5e-05), strongly suggesting that the variant is benign. c.690T>A has been reported in the literature in individuals affected with Cardiomyopathy (e.g. Walsh_2017, Mazzarotto_2020) but it was also reported in healthy control(s) (e.g. Mazzarotto_2020). These reports do not provide unequivocal conclusions about association of the variant with Cardiomyopathy. To our knowledge, no experimental evidence demonstrating an impact on protein function has been reported. Six clinical diagnostic laboratories have submitted clinical-significance assessments for this variant to ClinVar after 2014 without evidence for independent evaluation. Based on the evidence outlined above, the variant was classified as likely benign.

Fulgent Genetics
Classification: Uncertain significance for Dilated cardiomyopathy 1AA; Myopathy, congenital, with structured cores and z-line abnormalities; Myopathy, distal, 6, adult-onset, autosomal dominant. Last evaluated: 2021-09-10. Review status: criteria provided, single submitter. Criteria: ACMG Guidelines, 2015. Collection method: clinical testing. Allele origin: unknown.

Ambry Genetics
Classification: Uncertain significance for Cardiovascular phenotype. Last evaluated: 2020-11-18. Review status: criteria provided, single submitter. Criteria: Ambry Variant Classification Scheme 2023. Collection method: clinical testing. Allele origin: germline.

CHEO Genetics Diagnostic Laboratory, Children's Hospital of Eastern Ontario
Classification: Uncertain significance for Cardiomyopathy. Last evaluated: 2019-08-26. Review status: criteria provided, single submitter. Criteria: ACMG Guidelines, 2015. Collection method: clinical testing. Allele origin: germline.

Center for Advanced Laboratory Medicine, UC San Diego Health, University of California San Diego
Classification: Uncertain significance for Cardiomyopathy. Last evaluated: 2018-12-31. Review status: criteria provided, single submitter. Criteria: ACMG Guidelines, 2015. Collection method: clinical testing. Allele origin: germline. Affected: yes. Observed: 1 variant allele.

Stanford Center for Inherited Cardiovascular Disease, Stanford University
Classification: Uncertain significance. Last evaluated: 2016-04-14. Review status: criteria provided, single submitter. Criteria: ACMG Guidelines, 2015. Collection method: provider interpretation. Allele origin: germline.

Laboratory for Molecular Medicine, Mass General Brigham Personalized Medicine
Classification: Uncertain significance. Last evaluated: 2014-11-25. Review status: criteria provided, single submitter. Criteria: LMM Criteria. Collection method: clinical testing. Allele origin: germline. Observed: 3 variant alleles.
Comment: This variant has been identified in 11/67686 of Non-Finnish European chromosomes by the Exome Aggregation Consortium (ExAC; dbSNP rs139489232). Computational prediction tools and conservation analysis suggest that this variant may impact the protein, thou gh this information is not predictive enough to determine pathogenicity. In summ ary, the clinical significance of the p.Asp230Glu variant is uncertain.

Clinical Genetics, Academic Medical Center
Classification: Uncertain significance. Review status: no assertion criteria provided. Collection method: clinical testing. Allele origin: germline. Affected: yes. Study: VKGL Data-share Consensus. Not counted in ClinVar's aggregate classification.

Diagnostic Laboratory, Department of Genetics, University Medical Center Groningen
Classification: Uncertain significance. Review status: no assertion criteria provided. Collection method: clinical testing. Allele origin: germline. Affected: yes. Study: VKGL Data-share Consensus. Not counted in ClinVar's aggregate classification.

Literature cited by the submitters: PubMed 27532257 (cited by Women's Health and Genetics/Laboratory Corporation of America, LabCorp); PubMed 31983221 (cited by Women's Health and Genetics/Laboratory Corporation of America, LabCorp).